The following is an entry in ClinVar:

ClinVar aggregate classification (germline): Likely benign (1 of 4 stars; one submission).

Allele frequency attached by ClinVar (database versions not stated): gnomAD exomes 0.00118; 1000 Genomes Project 0.00938; 1000 Genomes Project 30x 0.01077; gnomAD 0.01221 and 0.01316; TOPMed 0.01367.

Submission:

GeneDx
Classification: Likely benign. Last evaluated: 2018-06-16. Review status: criteria provided, single submitter. Criteria: GeneDx Variant Classification (06012015). Collection method: clinical testing. Allele origin: germline. Affected: yes.
Comment: This variant is considered likely benign or benign based on one or more of the following criteria: it is a conservative change, it occurs at a poorly conserved position in the protein, it is predicted to be benign by multiple in silico algorithms, and/or has population frequency not consistent with disease.

NM_000257.4(MYH7):c.-8-104T>C

Gene: MYH7 (myosin heavy chain 7; minus strand). Cytogenetic location: 14q11.2.
Variant type: single nucleotide variant.
Coding change: c.-8-104T>C on transcript NM_000257.4 (MANE Select); 104 bases into the intron before 8 bases upstream of the start codon, T replaced by C.
Molecular consequence: intron variant.
Genome position (GRCh38, 1-based): chr14:23,433,844, A>G on the plus strand (T>C on the coding strand, the complement: MYH7 is on the minus strand). VCF-style: chr14-23433844-A-G. GRCh37 (hg19) VCF-style: chr14-23903053-A-G.
Identifiers: ClinVar variation 674682 (VCV000674682.1), dbSNP rs45446495, ClinGen allele CA257827051.